The following is an entry in ClinVar:

ClinVar aggregate classification (germline): Uncertain significance (1 of 4 stars; one submission).

Submission:

Labcorp Genetics (formerly Invitae), Labcorp
Classification: Uncertain significance. Last evaluated: 2021-04-12. Review status: criteria provided, single submitter. Criteria: Invitae Variant Classification Sherloc (09022015). Collection method: clinical testing. Allele origin: germline.
Comment: In summary, the available evidence is currently insufficient to determine the role of this variant in disease. Therefore, it has been classified as a Variant of Uncertain Significance. This variant has not been reported in the literature in individuals with SGPL1-related conditions. This variant results in a copy number gain of the genomic region encompassing exon(s) 8-15 of the SGPL1 gene. The 5' boundary is likely confined to intron 7. The 3' end of this event is unknown as it extends beyond the assayed region for this gene and therefore may encompass additional genes. As the precise location of this event is unknown, it may be in tandem or it may be located elsewhere in the genome.

NC_000010.10:g.(?_72628082)_(72637092_?)dup

Gene: SGPL1 (sphingosine-1-phosphate lyase 1; plus strand). Cytogenetic location: 10q22.1.
Variant type: Duplication.
Identifiers: ClinVar variation 1512190 (VCV001512190.4).